The following is an entry in ClinVar:

NM_173477.5(USH1G):c.1179G>T (p.Glu393Asp)

Gene: USH1G (USH1 protein network component sans; minus strand). Cytogenetic location: 17q25.1.
Variant type: single nucleotide variant.
Coding change: c.1179G>T on transcript NM_173477.5 (MANE Select); coding-DNA position 1179, G replaced by T.
Protein change: p.Glu393Asp; replaces glutamic acid 393 with aspartic acid.
Molecular consequence: missense variant.
Genome position (GRCh38, 1-based): chr17:74,919,657, C>A on the plus strand (G>T on the coding strand, the complement: USH1G is on the minus strand). VCF-style: chr17-74919657-C-A. GRCh37 (hg19) VCF-style: chr17-72915752-C-A.
Other names: c.870G>T, p.Glu290Asp (NM_001282489.3); short protein forms E290D, E393D.
Identifiers: ClinVar variation 1120134 (VCV001120134.4), dbSNP rs146287064, ClinGen allele CA8753918.

ClinVar aggregate classification (germline): Uncertain significance (1 of 4 stars; one submission).

Allele frequency attached by ClinVar (database versions not stated): ExAC 0.00001; gnomAD 0.00001; gnomAD exomes 0.00001; TOPMed 0.00003; ESP Exome Variant Server 0.00008.
gnomAD v4.1: 15 of 1,612,722 alleles (0.00093%); highest among the groups gnomAD compares: Non-Finnish European, 0.0013%; no homozygotes.

Submission:

Laboratory for Molecular Medicine, Mass General Brigham Personalized Medicine
Classification: Uncertain significance. Last evaluated: 2020-11-04. Review status: criteria provided, single submitter. Criteria: LMM Criteria. Collection method: clinical testing. Allele origin: germline. Observed: 1 variant allele.
Comment: The p.Glu393Asp variant in USH1G has not been previously reported in individuals with hearing loss or Usher syndrome, but has been identified in 0.002% (3/126894) of European chromosomes by gnomAD. Computational prediction tools and conservation analysis suggest that this variant may not impact the protein, though this information is not predictive enough to rule out pathogenicity. In summary, the clinical significance of this variant is uncertain. ACMG/AMP Criteria applied: PM2, BP4.